The following is an entry in ClinVar:

NM_007175.8(ERLIN2):c.148C>T (p.His50Tyr)

Gene: ERLIN2 (ER lipid raft associated 2; plus strand). Cytogenetic location: 8p11.23.
Variant type: single nucleotide variant.
Coding change: c.148C>T on transcript NM_007175.8 (MANE Select); coding-DNA position 148, C replaced by T.
Protein change: p.His50Tyr; replaces histidine 50 with tyrosine.
Molecular consequence: missense variant.
Genome position (GRCh38, 1-based): chr8:37,740,405, C>T. VCF-style: chr8-37740405-C-T. GRCh37 (hg19) VCF-style: chr8-37597923-C-T.
Other names: c.148C>T, p.His50Tyr (NM_001003790.4, NM_001003791.3, NM_001362878.2 and 1 more transcripts); short protein forms H50Y.
Identifiers: ClinVar variation 947803 (VCV000947803.6), dbSNP rs143647454, ClinGen allele CA175012813.

ClinVar aggregate classification (germline): Uncertain significance (1 of 4 stars; one submission).

Conditions:
Spastic paraplegia. Identifiers: MedGen C0037772, HP:0001258.

Allele frequency attached by ClinVar (database versions not stated): TOPMed below 0.00001; ESP Exome Variant Server 0.00008.

Submission:

Labcorp Genetics (formerly Invitae), Labcorp
Classification: Uncertain significance for Spastic paraplegia. Last evaluated: 2025-10-03. Review status: criteria provided, single submitter. Criteria: Invitae Variant Classification Sherloc (09022015). Collection method: clinical testing. Allele origin: germline.
Comment: This sequence change replaces histidine, which is basic and polar, with tyrosine, which is neutral and polar, at codon 50 of the ERLIN2 protein (p.His50Tyr). This variant is not present in population databases (gnomAD no frequency). This variant has not been reported in the literature in individuals affected with ERLIN2-related conditions. ClinVar contains an entry for this variant (Variation ID: 947803). Invitae Evidence Modeling of protein sequence and biophysical properties (such as structural, functional, and spatial information, amino acid conservation, physicochemical variation, residue mobility, and thermodynamic stability) indicates that this missense variant is expected to disrupt ERLIN2 protein function with a positive predictive value of 80%. In summary, the available evidence is currently insufficient to determine the role of this variant in disease. Therefore, it has been classified as a Variant of Uncertain Significance.